The following is an entry in ClinVar:

NM_152490.5(B3GALNT2):c.61C>A (p.Leu21Met)

Gene: B3GALNT2 (beta-1,3-N-acetylgalactosaminyltransferase 2; minus strand). Cytogenetic location: 1q42.3.
Variant type: single nucleotide variant.
Coding change: c.61C>A on transcript NM_152490.5 (MANE Select); coding-DNA position 61, C replaced by A.
Protein change: p.Leu21Met; replaces leucine 21 with methionine.
Molecular consequence: missense variant.
Genome position (GRCh38, 1-based): chr1:235,504,192, G>T on the plus strand (C>A on the coding strand, the complement: B3GALNT2 is on the minus strand). VCF-style: chr1-235504192-G-T. GRCh37 (hg19) VCF-style: chr1-235667492-G-T.
Other names: c.61C>A, p.Leu21Met (NM_001277155.3); short protein forms L21M.
Identifiers: ClinVar variation 1372942 (VCV001372942.6), dbSNP rs1185149901, ClinGen allele CA344937056.
Genomic context (GRCh38, chr1:235,504,192, plus strand): 5'-GGACCTCACCTGCAGGGCCGGCCCCGGAGGCGCAGGCGGGCGGCGGGGAGCGCAGCCGCA[G>T]CCAGAGGTGCAGCGCGGCCCCGAGCACACACGGGCACAGCAGCACCAGCCAGTTTCGCAT-3'
Protein context (NP_689703.1, residues 11-31): CVLGAALHLW[Leu21Met]RLRSPPPACA

ClinVar aggregate classification (germline): Uncertain significance (1 of 4 stars; one submission).

Conditions:
Muscular dystrophy-dystroglycanopathy (congenital with brain and eye anomalies), type a, 11 (MDDGA11). Also called: Congenital muscular dystrophy-dystroglycanopathy with brain and eye anomalies, type A11; WALKER-WARBURG SYNDROME OR MUSCLE-EYE-BRAIN DISEASE, B3GALNT2-RELATED; Muscular dystrophy-dystroglycanopathy (congenital with brain and eye anomalies, type A, 11. Identifiers: Orphanet 588, Orphanet 899, MedGen C3554638, MONDO:0014071, OMIM 615181.

Allele frequency attached by ClinVar (database versions not stated): gnomAD 0.00001; gnomAD exomes 0.00001.
gnomAD v4.1: 9 of 1,357,332 alleles (0.00066%); highest among the groups gnomAD compares: Non-Finnish European, 0.00085%; no homozygotes.

Submission:

Labcorp Genetics (formerly Invitae), Labcorp
Classification: Uncertain significance for Muscular dystrophy-dystroglycanopathy (congenital with brain and eye anomalies), type a, 11. Last evaluated: 2025-12-08. Review status: criteria provided, single submitter. Criteria: Invitae Variant Classification Sherloc (09022015). Collection method: clinical testing. Allele origin: germline.
Comment: This sequence change replaces leucine, which is neutral and non-polar, with methionine, which is neutral and non-polar, at codon 21 of the B3GALNT2 protein (p.Leu21Met). This variant is present in population databases (no rsID available, gnomAD 0.004%). This variant has not been reported in the literature in individuals affected with B3GALNT2-related conditions. ClinVar contains an entry for this variant (Variation ID: 1372942). An algorithm developed to predict the effect of missense changes on protein structure and function (PolyPhen-2) suggests that this variant is likely to be disruptive. In summary, the available evidence is currently insufficient to determine the role of this variant in disease. Therefore, it has been classified as a Variant of Uncertain Significance.